The following is an entry in ClinVar:

NM_024426.6(WT1):c.953C>G (p.Ala318Gly)

Gene: WT1 (WT1 transcription factor; minus strand). Cytogenetic location: 11p13.
Variant type: single nucleotide variant.
Coding change: c.953C>G on transcript NM_024426.6 (MANE Select); coding-DNA position 953, C replaced by G.
Protein change: p.Ala318Gly; replaces alanine 318 with glycine.
Molecular consequence: missense variant. On other transcripts: non-coding transcript variant (1).
Genome position (GRCh38, 1-based): chr11:32,417,589, G>C on the plus strand (C>G on the coding strand, the complement: WT1 is on the minus strand). VCF-style: chr11-32417589-G-C. GRCh37 (hg19) VCF-style: chr11-32439135-G-C.
Other names: c.953C>G, p.Ala318Gly (NM_000378.6, NM_001407044.1, NM_001407045.1 and 4 more transcripts); c.302C>G, p.Ala101Gly (NM_001198551.2, NM_001198552.2); c.830C>G, p.Ala277Gly (NM_001407047.1, NM_001407050.1); c.191C>G, p.Ala64Gly (NM_001407051.1); c.938C>G, p.Ala313Gly (NM_024425.2); c.938C>G (NM_024426.4); short protein forms A101G, A318G, A277G, A64G, A313G.
Identifiers: ClinVar variation 1463694 (VCV001463694.13), dbSNP rs1201042140, ClinGen allele CA379962033.

ClinVar aggregate classification (germline): Uncertain significance. Review status: criteria provided, multiple submitters, no conflicts (2 of 4 stars). 4 submissions from 4 submitters: Uncertain significance (4). Last evaluated 2026-05-21.

Conditions:
Nephrotic syndrome, type 4 (NPHS4). Also called: Familial mesangial sclerosis; Nephrotic syndrome, early onset with diffuse mesangial sclerosis. Identifiers: Orphanet 656, MedGen C3151568, MONDO:0009733, OMIM 256370.
Wilms tumor 1 (WT1). Also called: Wilms tumor, somatic. Identifiers: Orphanet 654, MedGen CN033288, MONDO:0008679, OMIM 194070.
Drash syndrome (DDS). Also called: NEPHROPATHY, WILMS TUMOR, AND GENITAL ANOMALIES; WILMS TUMOR AND PSEUDO- OR TRUE HERMAPHRODITISM. Identifiers: Orphanet 220, MedGen C0950121, MONDO:0008682, OMIM 194080.
Frasier syndrome. Identifiers: Orphanet 347, MedGen C0950122, MeSH D052159, MONDO:0007635, OMIM 136680.
11p partial monosomy syndrome (WAGR). Also called: CHROMOSOME 11p13 DELETION SYNDROME; WAGR syndrome; WAGR Complex; WAGR Spectrum Disorder. Identifiers: Orphanet 893, MedGen C0206115, MONDO:0008681, OMIM 194072.
Inborn genetic diseases. Identifiers: MedGen C0950123, MeSH D030342.

Allele frequency attached by ClinVar (database versions not stated): TOPMed below 0.00001; gnomAD exomes below 0.00001.
gnomAD v4.1: 2 of 1,613,874 alleles (0.00012%); highest among the groups gnomAD compares: East Asian, 0.0045%; no homozygotes.

Submissions (4):

Ambry Genetics
Classification: Uncertain significance for Inborn genetic diseases. Last evaluated: 2026-05-21. Review status: criteria provided, single submitter. Criteria: Ambry Variant Classification Scheme 2023. Collection method: clinical testing. Allele origin: germline.
Comment: The p.A313G variant (also known as c.938C>G), located in coding exon 4 of the WT1 gene, results from a C to G substitution at nucleotide position 938. The alanine at codon 313 is replaced by glycine, an amino acid with similar properties. This amino acid position is conserved. In addition, the in silico prediction for this alteration is inconclusive. Based on the available evidence, the clinical significance of this variant remains unclear.

Genesolutions, Medical Genetics Institutes, Ho Chi Minh City, Vietnam
Classification: Uncertain significance for Nephrotic syndrome, type 4. Last evaluated: 2025-09-24. Review status: criteria provided, single submitter. Criteria: ACMG Guidelines, 2015. Collection method: clinical testing. Allele origin: germline. Affected: yes.

Labcorp Genetics (formerly Invitae), Labcorp
Classification: Uncertain significance for Wilms tumor 1; Drash syndrome; 11p partial monosomy syndrome; Frasier syndrome. Last evaluated: 2025-03-03. Review status: criteria provided, single submitter. Criteria: Invitae Variant Classification Sherloc (09022015). Collection method: clinical testing. Allele origin: germline.
Comment: This sequence change replaces alanine, which is neutral and non-polar, with glycine, which is neutral and non-polar, at codon 313 of the WT1 protein (p.Ala313Gly). This variant is not present in population databases (gnomAD no frequency). This variant has not been reported in the literature in individuals affected with WT1-related conditions. ClinVar contains an entry for this variant (Variation ID: 1463694). Invitae Evidence Modeling of protein sequence and biophysical properties (such as structural, functional, and spatial information, amino acid conservation, physicochemical variation, residue mobility, and thermodynamic stability) indicates that this missense variant is not expected to disrupt WT1 protein function with a negative predictive value of 95%. In summary, the available evidence is currently insufficient to determine the role of this variant in disease. Therefore, it has been classified as a Variant of Uncertain Significance.

All of Us Research Program, National Institutes of Health
Classification: Uncertain significance for Wilms tumor 1. Last evaluated: 2024-06-17. Review status: criteria provided, single submitter. Criteria: ACMG Guidelines, 2015. Collection method: clinical testing. Allele origin: germline. Inheritance: Autosomal dominant inheritance. Observed: 2 variant alleles, 2 heterozygotes.
Comment: This missense variant replaces alanine with glycine at codon 313 in the WT1 protein. Computational prediction suggests that this variant may not impact protein structure and function (internally defined REVEL score threshold <= 0.5, PMID: 27666373). To our knowledge, functional studies have not been reported for this variant. This variant has not been reported in individuals affected with WT1-related disorders in the literature. This variant has not been identified in the general population by the Genome Aggregation Database (gnomAD). The available evidence is insufficient to determine the role of this variant in disease conclusively. Therefore, this variant is classified as a Variant of Uncertain Significance.

This study involves interpretation of variants in research participants for the purpose of population health screening. Participant phenotype was not available at the time of variant classification. Additional details can be found in publication PMID: 35346344, PMCID: PMC8962531